The following is an entry in ClinVar:

NM_004168.4(SDHA):c.1623G>A (p.Lys541=)

Gene: SDHA (succinate dehydrogenase complex flavoprotein subunit A; plus strand). Cytogenetic location: 5p15.33.
Variant type: single nucleotide variant.
Coding change: c.1623G>A on transcript NM_004168.4 (MANE Select); coding-DNA position 1623, G replaced by A.
Protein change: p.Lys541=; no amino-acid change (lysine 541 retained).
Molecular consequence: synonymous variant. On other transcripts: intron variant (1).
Genome position (GRCh38, 1-based): chr5:251,063, G>A. VCF-style: chr5-251063-G-A. GRCh37 (hg19) VCF-style: chr5-251178-G-A.
Other names: p.Lys541=; c.1479G>A, p.Lys493= (NM_001294332.2); c.1552-3330G>A (NM_001330758.2).
Identifiers: ClinVar variation 252905 (VCV000252905.75), dbSNP rs35502109, ClinGen allele CA3173306.

ClinVar aggregate classification (germline): Conflicting classifications of pathogenicity. Review status: criteria provided, conflicting classifications (1 of 4 stars). 20 submissions from 18 submitters: Uncertain significance (1); Benign (8); Likely benign (7). 4 of the submissions do not count toward it. Last evaluated 2026-09-01.

Conditions:
Dilated cardiomyopathy 1GG (CMD1GG). Identifiers: Orphanet 154, MedGen C3150898, MONDO:0013339, OMIM 613642.
Mitochondrial complex II deficiency, nuclear type 1. Also called: SUCCINATE CoQ REDUCTASE DEFICIENCY. Identifiers: Orphanet 3208, MedGen C5700310, MONDO:0100294, OMIM 252011.
Pheochromocytoma/paraganglioma syndrome 5. Also called: Paragangliomas 5; SDHA-Related Hereditary Paraganglioma-Pheochromocytoma Syndrome. Identifiers: Orphanet 29072, MedGen C3279992, MONDO:0013602, OMIM 614165.
Neurodegeneration with ataxia and late-onset optic atrophy. Identifiers: MedGen C5543254, MONDO:0031006, OMIM 619259.
Hereditary cancer-predisposing syndrome. Also called: Hereditary neoplastic syndrome; Hereditary Cancer Syndrome; Neoplastic Syndromes, Hereditary; Tumor predisposition. Identifiers: Orphanet 140162, MedGen C0027672, MeSH D009386, MONDO:0015356.
Hereditary pheochromocytoma and paraganglioma. Also called: Hereditary pheochromocytoma-paraganglioma; Hereditary Paraganglioma-Pheochromocytoma Syndromes; Hereditary paragangliomas and pheochromocytomas. Identifiers: Orphanet 29072, MedGen C4274332, MONDO:0017366.
Leigh syndrome (NULS). Also called: Leigh Syndrome (mtDNA deletion); Leigh's syndrome; Leigh's necrotizing encephalopathy; Leigh's disease; Leigh Disease; Subacute necrotizing encephalopathy. Identifiers: Orphanet 506, MedGen C2931891, MONDO:0009723, OMIM 256000.

Allele frequency attached by ClinVar (database versions not stated): 1000 Genomes Project 30x 0.00187; 1000 Genomes Project 0.00200; gnomAD 0.00206 and 0.00214; ExAC 0.00208; ESP Exome Variant Server 0.00208; gnomAD exomes 0.00212 and 0.00230; TOPMed 0.00218.
gnomAD v4.1: 3,516 of 1,612,024 alleles (0.22%); highest among the groups gnomAD compares: Middle Eastern, 2.5%; 14 homozygotes.

Submissions (20):

CeGaT Center for Human Genetics Tuebingen
Classification: Likely benign. Last evaluated: 2026-09-01. Review status: criteria provided, single submitter. Criteria: CeGaT Center For Human Genetics Tuebingen Variant Classification Criteria Version 2. Collection method: clinical testing. Allele origin: germline. Affected: yes. Observed: 53 variant alleles.
Comment: SDHA: BP4, BP7

Labcorp Genetics (formerly Invitae), Labcorp
Classification: Benign for Pheochromocytoma/paraganglioma syndrome 5; Mitochondrial complex II deficiency, nuclear type 1. Last evaluated: 2026-02-04. Review status: criteria provided, single submitter. Criteria: Invitae Variant Classification Sherloc (09022015). Collection method: clinical testing. Allele origin: germline.

Quest Diagnostics Nichols Institute San Juan Capistrano
Classification: Benign. Last evaluated: 2025-07-12. Review status: criteria provided, single submitter. Criteria: Quest Diagnostics criteria. Collection method: clinical testing. Allele origin: unknown.

Myriad Genetics, Inc.
Classification: Benign for Pheochromocytoma/paraganglioma syndrome 5. Last evaluated: 2025-03-10. Review status: criteria provided, single submitter. Criteria: Myriad Autosomal Dominant, Autosomal Recessive and X-Linked Classification Criteria (2023). Collection method: clinical testing. Allele origin: unknown.
Comment: This variant is considered benign. This variant is a silent/synonymous amino acid change and it is not expected to impact splicing.

Department of Pathology and Laboratory Medicine, Sinai Health System
Classification: Benign for Mitochondrial complex II deficiency, nuclear type 1; Dilated cardiomyopathy 1GG; Pheochromocytoma/paraganglioma syndrome 5; Neurodegeneration with ataxia and late-onset optic atrophy. Last evaluated: 2025-02-07. Review status: criteria provided, single submitter. Criteria: ACMG Guidelines, 2015. Collection method: clinical testing. Allele origin: germline. Affected: yes.

Blueprint Genetics
Classification: Likely benign. Last evaluated: 2024-11-21. Review status: criteria provided, single submitter. Criteria: ACMG Guidelines, 2015. Collection method: clinical testing. Allele origin: germline.

Mayo Clinic Laboratories, Mayo Clinic
Classification: Benign. Last evaluated: 2024-11-05. Review status: criteria provided, single submitter. Criteria: ACMG Guidelines, 2015. Collection method: clinical testing. Allele origin: germline. Observed: 10 variant alleles.
Comment: BS1, BS2, BP4, BP7

KCCC/NGS Laboratory, Kuwait Cancer Control Center
Classification: Benign for Pheochromocytoma/paraganglioma syndrome 5. Last evaluated: 2023-07-07. Review status: criteria provided, single submitter. Criteria: ACMG Guidelines, 2015. Collection method: clinical testing. Allele origin: germline. Affected: yes.

GeneDx
Classification: Likely benign. Last evaluated: 2021-06-11. Review status: criteria provided, single submitter. Criteria: GeneDx Variant Classification Process June 2021. Collection method: clinical testing. Allele origin: germline. Affected: yes.
Comment: This variant is associated with the following publications: (PMID: 17298551, 23666964)

Sema4
Classification: Likely benign for Hereditary cancer-predisposing syndrome. Last evaluated: 2021-01-27. Review status: criteria provided, single submitter. Criteria: Sema4 Curation Guidelines. Collection method: curation. Allele origin: germline.

Genetic Services Laboratory, University of Chicago
Classification: Likely benign. Last evaluated: 2020-09-15. Review status: criteria provided, single submitter. Criteria: ACMG Guidelines, 2015. Collection method: clinical testing. Allele origin: germline. Affected: no.

Illumina Laboratory Services, Illumina
Classification: Benign for Hereditary Paraganglioma-Pheochromocytoma Syndromes. Last evaluated: 2017-04-27. Review status: criteria provided, single submitter. Criteria: ICSL Variant Classification Criteria 13 December 2019. Collection method: clinical testing. Allele origin: germline.
Comment: This variant was observed as part of a predisposition screen in an ostensibly healthy population. A literature search was performed for the gene, cDNA change, and amino acid change (where applicable). Publications were found based on this search. The evidence from the literature, in combination with allele frequency data from public databases where available, was sufficient to rule this variant out of causing disease. Therefore, this variant is classified as benign.

Illumina Laboratory Services, Illumina
Classification: Likely benign for Leigh syndrome. Last evaluated: 2017-04-27. Review status: criteria provided, single submitter. Criteria: ICSL Variant Classification Criteria 13 December 2019. Collection method: clinical testing. Allele origin: germline.
Comment: This variant was observed as part of a predisposition screen in an ostensibly healthy population. A literature search was performed for the gene, cDNA change, and amino acid change (where applicable). No publications were found based on this search. Allele frequency data from public databases allowed determination this variant is unlikely to cause disease. Therefore, this variant is classified as likely benign.

Illumina Laboratory Services, Illumina
Classification: Uncertain significance for Mitochondrial complex II deficiency, nuclear type 1. Last evaluated: 2017-04-27. Review status: criteria provided, single submitter. Criteria: ICSL Variant Classification Criteria 13 December 2019. Collection method: clinical testing. Allele origin: germline.

Ambry Genetics
Classification: Likely benign for Hereditary cancer-predisposing syndrome. Last evaluated: 2014-07-23. Review status: criteria provided, single submitter. Criteria: Ambry Variant Classification Scheme 2023. Collection method: clinical testing. Allele origin: germline.

PreventionGenetics, part of Exact Sciences
Classification: Benign. Review status: criteria provided, single submitter. Criteria: ACMG Guidelines, 2015. Collection method: clinical testing. Allele origin: germline.

Clinical Genetics DNA and cytogenetics Diagnostics Lab, Erasmus MC, Erasmus Medical Center
Classification: Likely benign. Review status: no assertion criteria provided. Collection method: clinical testing. Allele origin: germline. Affected: yes. Study: VKGL Data-share Consensus. Not counted in ClinVar's aggregate classification.

Diagnostic Laboratory, Department of Genetics, University Medical Center Groningen
Classification: Likely benign. Review status: no assertion criteria provided. Collection method: clinical testing. Allele origin: germline. Affected: yes. Study: VKGL Data-share Consensus. Not counted in ClinVar's aggregate classification.

Genome Diagnostics Laboratory, Amsterdam University Medical Center
Classification: Likely benign. Review status: no assertion criteria provided. Collection method: clinical testing. Allele origin: germline. Affected: yes. Study: VKGL Data-share Consensus. Not counted in ClinVar's aggregate classification.

Joint Genome Diagnostic Labs from Nijmegen and Maastricht, Radboudumc and MUMC+
Classification: Likely benign. Review status: no assertion criteria provided. Collection method: clinical testing. Allele origin: germline. Affected: yes. Study: VKGL Data-share Consensus. Not counted in ClinVar's aggregate classification.

Literature cited by the submitters: PubMed 37239447 (cited by Quest Diagnostics Nichols Institute San Juan Capistrano); PubMed 23666964 (cited by 3 submitters).